The following is an entry in ClinVar:

ClinVar aggregate classification (germline): Likely benign (1 of 4 stars; one submission).

Conditions:
Leigh syndrome (NULS). Also called: Leigh's necrotizing encephalopathy; Leigh's disease; Leigh Syndrome (mtDNA deletion); Leigh Disease; Subacute necrotizing encephalopathy; Necrotizing encephalopathy infantile subacute of Leigh. Identifiers: Orphanet 506, MedGen C2931891, MONDO:0009723, OMIM 256000.

Submission:

Wong Mito Lab, Molecular and Human Genetics, Baylor College of Medicine
Classification: Likely benign for Leigh syndrome. Last evaluated: 2019-10-17. Review status: criteria provided, single submitter. Criteria: Modified ACMG Guidelines (Unpublished). Collection method: clinical testing. Allele origin: germline.
Comment: The NC_012920.1:m.6252A>G (YP_003024028.1:p.Met117Val) variant in MTCO1 gene is interpretated to be a Likely Benign variant based on the modified ACMG guidelines (unpublished). This variant meets the following evidence codes: BP4, BP6

NC_012920.1(MT-CO1):m.6252A>G

Gene: MT-CO1 (mitochondrially encoded cytochrome c oxidase I; plus strand).
Variant type: single nucleotide variant.
Genome position: chrM-6252-A-G.
Identifiers: ClinVar variation 692630 (VCV000692630.1), dbSNP rs878927119, ClinGen allele CA337097349.